The following is an entry in ClinVar:

NM_015174.2(ZFR2):c.318G>A (p.Pro106=)

Gene: ZFR2 (zinc finger RNA binding protein 2; minus strand). Cytogenetic location: 19p13.3.
Variant type: single nucleotide variant.
Coding change: c.318G>A on transcript NM_015174.2 (MANE Select); coding-DNA position 318, G replaced by A.
Protein change: p.Pro106=; no amino-acid change (proline 106 retained).
Molecular consequence: synonymous variant.
Genome position (GRCh38, 1-based): chr19:3,833,725, C>T on the plus strand (G>A on the coding strand, the complement: ZFR2 is on the minus strand). VCF-style: chr19-3833725-C-T. GRCh37 (hg19) VCF-style: chr19-3833723-C-T.
Identifiers: ClinVar variation 2649015 (VCV002649015.24), dbSNP rs772371092, ClinGen allele CA9086873.

ClinVar aggregate classification (germline): Likely benign (1 of 4 stars; one submission).

Allele frequency attached by ClinVar (database versions not stated): gnomAD exomes 0.00001; ExAC 0.00003; TOPMed 0.00003.
gnomAD v4.1: 14 of 1,582,476 alleles (0.00088%); highest among the groups gnomAD compares: South Asian, 0.0035%; no homozygotes.

Submission:

CeGaT Center for Human Genetics Tuebingen
Classification: Likely benign. Last evaluated: 2022-04-01. Review status: criteria provided, single submitter. Criteria: CeGaT Center For Human Genetics Tuebingen Variant Classification Criteria Version 2. Collection method: clinical testing. Allele origin: germline. Affected: yes. Observed: 1 variant allele.
Comment: ZFR2: BP4, BP7